The following is an entry in ClinVar:

ClinVar aggregate classification (germline): Conflicting classifications of pathogenicity. Review status: criteria provided, conflicting classifications (1 of 4 stars). 4 submissions from 4 submitters: Uncertain significance (3); Likely benign (1). Last evaluated 2025-11-16.

Conditions:
Autosomal recessive nonsyndromic hearing loss 97. Also called: Deafness, autosomal recessive 97. Identifiers: Orphanet 90636, MedGen C4084709, MONDO:0014739, OMIM 616705.
Hereditary cancer-predisposing syndrome. Also called: Neoplastic Syndromes, Hereditary; Tumor predisposition; Hereditary neoplastic syndrome; Hereditary Cancer Syndrome. Identifiers: Orphanet 140162, MedGen C0027672, MeSH D009386, MONDO:0015356.
Renal cell carcinoma. Identifiers: Orphanet 217071, MedGen C0007134, MeSH D002292, MONDO:0005086, HP:0005584.

Submissions (4):

Labcorp Genetics (formerly Invitae), Labcorp
Classification: Uncertain significance for Renal cell carcinoma. Last evaluated: 2025-11-16. Review status: criteria provided, single submitter. Criteria: Invitae Variant Classification Sherloc (09022015). Collection method: clinical testing. Allele origin: germline.
Comment: This sequence change replaces asparagine, which is neutral and polar, with serine, which is neutral and polar, at codon 881 of the MET protein (p.Asn881Ser). This variant is not present in population databases (gnomAD no frequency). This variant has not been reported in the literature in individuals affected with MET-related conditions. ClinVar contains an entry for this variant (Variation ID: 1388673). An algorithm developed to predict the effect of missense changes on protein structure and function (PolyPhen-2) suggests that this variant is likely to be tolerated. In summary, the available evidence is currently insufficient to determine the role of this variant in disease. Therefore, it has been classified as a Variant of Uncertain Significance.

GeneDx
Classification: Uncertain significance. Last evaluated: 2025-07-24. Review status: criteria provided, single submitter. Criteria: GeneDx Variant Classification Process June 2021. Collection method: clinical testing. Allele origin: germline. Affected: yes.
Comment: Not observed at significant frequency in large population cohorts (gnomAD); In silico analysis suggests that this missense variant does not alter protein structure/function; Has not been previously published as pathogenic or benign to our knowledge

Ambry Genetics
Classification: Likely benign for Hereditary cancer-predisposing syndrome. Last evaluated: 2024-02-08. Review status: criteria provided, single submitter. Criteria: Ambry Variant Classification Scheme 2023. Collection method: clinical testing. Allele origin: germline.

Baylor Genetics
Classification: Uncertain significance for Autosomal recessive nonsyndromic hearing loss 97. Last evaluated: 2023-10-11. Review status: criteria provided, single submitter. Criteria: ACMG Guidelines, 2015. Collection method: clinical testing. Allele origin: unknown.

NM_000245.4(MET):c.2588A>G (p.Asn863Ser)

Gene: MET (MET proto-oncogene, receptor tyrosine kinase; plus strand). Cytogenetic location: 7q31.2.
Variant type: single nucleotide variant.
Coding change: c.2588A>G on transcript NM_000245.4 (MANE Select); coding-DNA position 2588, A replaced by G.
Protein change: p.Asn863Ser; replaces asparagine 863 with serine.
Molecular consequence: missense variant.
Genome position (GRCh38, 1-based): chr7:116,769,649, A>G. VCF-style: chr7-116769649-A-G. GRCh37 (hg19) VCF-style: chr7-116409703-A-G.
Other names: c.2642A>G, p.Asn881Ser (NM_001127500.3); c.2588A>G, p.Asn863Ser (NM_001324401.3); c.1298A>G, p.Asn433Ser (NM_001324402.2); c.2642A>G (NM_001127500.1); short protein forms N433S, N863S, N881S.
Identifiers: ClinVar variation 1388673 (VCV001388673.11), dbSNP rs1794766796, ClinGen allele CA368985281.